The following is an entry in ClinVar:

ClinVar aggregate classification (germline): Uncertain significance. Review status: criteria provided, multiple submitters, no conflicts (2 of 4 stars). 3 submissions from 3 submitters: Uncertain significance (3). Last evaluated 2026-02-09.

Allele frequency attached by ClinVar (database versions not stated): ExAC 0.00001; gnomAD exomes 0.00001; gnomAD 0.00006; TOPMed 0.00006.

Submissions (3):

GeneDx
Classification: Uncertain significance. Last evaluated: 2026-02-09. Review status: criteria provided, single submitter. Criteria: GeneDx Variant Classification Process June 2021. Collection method: clinical testing. Allele origin: germline.
Comment: Not observed at significant frequency in large population cohorts (gnomAD); In silico analysis supports that this missense variant has a deleterious effect on protein structure/function; Has not been previously published as pathogenic or benign to our knowledge

Mayo Clinic Laboratories, Mayo Clinic
Classification: Uncertain significance. Last evaluated: 2025-02-02. Review status: criteria provided, single submitter. Criteria: ACMG Guidelines, 2015. Collection method: clinical testing. Allele origin: germline. Observed: 1 variant allele.
Comment: BP4

Labcorp Genetics (formerly Invitae), Labcorp
Classification: Uncertain significance. Last evaluated: 2022-07-22. Review status: criteria provided, single submitter. Criteria: Invitae Variant Classification Sherloc (09022015). Collection method: clinical testing. Allele origin: germline.
Comment: This sequence change replaces aspartic acid, which is acidic and polar, with glutamic acid, which is acidic and polar, at codon 1088 of the SZT2 protein (p.Asp1088Glu). This variant is present in population databases (rs747849377, gnomAD 0.01%). This variant has not been reported in the literature in individuals affected with SZT2-related conditions. ClinVar contains an entry for this variant (Variation ID: 1377159). Algorithms developed to predict the effect of missense changes on protein structure and function are either unavailable or do not agree on the potential impact of this missense change (SIFT: "Deleterious"; PolyPhen-2: "Probably Damaging"; Align-GVGD: "Class C0"). In summary, the available evidence is currently insufficient to determine the role of this variant in disease. Therefore, it has been classified as a Variant of Uncertain Significance.

NM_001365999.1(SZT2):c.3435T>G (p.Asp1145Glu)

Gene: SZT2 (SZT2 subunit of KICSTOR complex; plus strand). Cytogenetic location: 1p34.2.
Variant type: single nucleotide variant.
Coding change: c.3435T>G on transcript NM_001365999.1 (MANE Select); coding-DNA position 3435, T replaced by G.
Protein change: p.Asp1145Glu; replaces aspartic acid 1145 with glutamic acid.
Molecular consequence: missense variant.
Genome position (GRCh38, 1-based): chr1:43,427,282, T>G. VCF-style: chr1-43427282-T-G. GRCh37 (hg19) VCF-style: chr1-43892953-T-G.
Other names: p.Asp1088Glu; c.3264T>G, p.Asp1088Glu (NM_015284.4); c.3264T>G (NM_015284.3); short protein forms D1088E, D1145E.
Identifiers: ClinVar variation 1377159 (VCV001377159.7), dbSNP rs747849377, ClinGen allele CA808994.